The following is an entry in ClinVar:

NM_016816.4(OAS1):c.500C>T (p.Pro167Leu)

Gene: OAS1 (2'-5'-oligoadenylate synthetase 1; plus strand). Cytogenetic location: 12q24.13.
Variant type: single nucleotide variant.
Coding change: c.500C>T on transcript NM_016816.4 (MANE Select); coding-DNA position 500, C replaced by T.
Protein change: p.Pro167Leu; replaces proline 167 with leucine.
Molecular consequence: missense variant.
Genome position (GRCh38, 1-based): chr12:112,911,081, C>T. VCF-style: chr12-112911081-C-T. GRCh37 (hg19) VCF-style: chr12-113348886-C-T.
Other names: c.500C>T, p.Pro167Leu (NM_001032409.3, NM_001320151.2, NM_002534.4); c.500C>T (NM_001032409.2); short protein forms P167L.
Identifiers: ClinVar variation 1520049 (VCV001520049.9), dbSNP rs761279767, ClinGen allele CA6799802.

ClinVar aggregate classification (germline): Uncertain significance. Review status: criteria provided, multiple submitters, no conflicts (2 of 4 stars). 2 submissions from 2 submitters: Uncertain significance (2). Last evaluated 2024-12-23.

Conditions:
OAS1-related disorder. Also called: OAS1-related condition.

Allele frequency attached by ClinVar (database versions not stated): gnomAD exomes 0.00001; ExAC 0.00002; gnomAD 0.00003.
gnomAD v4.1: 53 of 1,613,828 alleles (0.0033%); highest among the groups gnomAD compares: Non-Finnish European, 0.0041%; no homozygotes.

Submissions (2):

PreventionGenetics, part of Exact Sciences
Classification: Uncertain significance for OAS1-related condition. Last evaluated: 2024-12-23. Review status: criteria provided, single submitter. Criteria: ACMG Guidelines, 2015. Collection method: clinical testing. Allele origin: germline.
Comment: The OAS1 c.500C>T variant is predicted to result in the amino acid substitution p.Pro167Leu. To our knowledge, this variant has not been reported in the literature. This variant is reported in 0.0031% of alleles in individuals of European (Non-Finnish) descent in gnomAD. At this time, the clinical significance of this variant is uncertain due to the absence of conclusive functional and genetic evidence.

Labcorp Genetics (formerly Invitae), Labcorp
Classification: Uncertain significance. Last evaluated: 2023-09-13. Review status: criteria provided, single submitter. Criteria: Invitae Variant Classification Sherloc (09022015). Collection method: clinical testing. Allele origin: germline.
Comment: In summary, the available evidence is currently insufficient to determine the role of this variant in disease. Therefore, it has been classified as a Variant of Uncertain Significance. An algorithm developed to predict the effect of missense changes on protein structure and function (PolyPhen-2) suggests that this variant is likely to be disruptive. ClinVar contains an entry for this variant (Variation ID: 1520049). This variant has not been reported in the literature in individuals affected with OAS1-related conditions. This variant is present in population databases (rs761279767, gnomAD 0.003%). This sequence change replaces proline, which is neutral and non-polar, with leucine, which is neutral and non-polar, at codon 167 of the OAS1 protein (p.Pro167Leu).